The following is an entry in ClinVar:

ClinVar aggregate classification (germline): Uncertain significance (1 of 4 stars; one submission).

Conditions:
FG syndrome (FGS). Identifiers: MedGen C0220769, MONDO:0002010.

Submission:

Labcorp Genetics (formerly Invitae), Labcorp
Classification: Uncertain significance for FG syndrome. Last evaluated: 2024-01-13. Review status: criteria provided, single submitter. Criteria: Invitae Variant Classification Sherloc (09022015). Collection method: clinical testing. Allele origin: germline.
Comment: This sequence change replaces proline, which is neutral and non-polar, with histidine, which is basic and polar, at codon 1766 of the MED12 protein (p.Pro1766His). This variant is not present in population databases (gnomAD no frequency). This variant has not been reported in the literature in individuals affected with MED12-related conditions. Advanced modeling of protein sequence and biophysical properties (such as structural, functional, and spatial information, amino acid conservation, physicochemical variation, residue mobility, and thermodynamic stability) performed at Invitae indicates that this missense variant is not expected to disrupt MED12 protein function with a negative predictive value of 95%. In summary, the available evidence is currently insufficient to determine the role of this variant in disease. Therefore, it has been classified as a Variant of Uncertain Significance.

NM_005120.3(MED12):c.5297C>A (p.Pro1766His)

Gene: MED12 (mediator complex subunit 12; plus strand). Cytogenetic location: Xq13.1.
Variant type: single nucleotide variant.
Coding change: c.5297C>A on transcript NM_005120.3 (MANE Select); coding-DNA position 5297, C replaced by A.
Protein change: p.Pro1766His; replaces proline 1766 with histidine.
Molecular consequence: missense variant.
Genome position (GRCh38, 1-based): chrX:71,136,552, C>A. VCF-style: chrX-71136552-C-A. GRCh37 (hg19) VCF-style: chrX-70356402-C-A.
Other names: short protein forms P1766H.
Identifiers: ClinVar variation 2709236 (VCV002709236.3), dbSNP rs2519711740, ClinGen allele CA413534787.